The following is an entry in ClinVar:

ClinVar aggregate classification (germline): Uncertain significance. Review status: criteria provided, multiple submitters, no conflicts (2 of 4 stars). 3 submissions from 3 submitters: Uncertain significance (2). 1 of the submissions does not count toward it. Last evaluated 2025-09-21.

Conditions:
Kabuki syndrome. Also called: NIIKAWA-KUROKI SYNDROME; Kabuki make-up syndrome. Identifiers: Orphanet 2322, MedGen C0796004, MONDO:0016512.
KMT2D-related disorder. Also called: KMT2D-Related Disorders.

Submissions (3):

Labcorp Genetics (formerly Invitae), Labcorp
Classification: Uncertain significance for Kabuki syndrome. Last evaluated: 2025-09-21. Review status: criteria provided, single submitter. Criteria: Invitae Variant Classification Sherloc (09022015). Collection method: clinical testing. Allele origin: germline.
Comment: This variant, c.11718_11759del, results in the deletion of 14 amino acid(s) of the KMT2D protein (p.Gln3917_Gln3930del), but otherwise preserves the integrity of the reading frame. The frequency data for this variant in the population databases is considered unreliable, as metrics indicate poor data quality at this position in the gnomAD database. This variant has not been reported in the literature in individuals affected with KMT2D-related conditions. ClinVar contains an entry for this variant (Variation ID: 2575008). Experimental studies and prediction algorithms are not available or were not evaluated, and the functional significance of this variant is currently unknown. In summary, the available evidence is currently insufficient to determine the role of this variant in disease. Therefore, it has been classified as a Variant of Uncertain Significance.

GeneDx
Classification: Uncertain significance. Last evaluated: 2023-08-02. Review status: criteria provided, single submitter. Criteria: GeneDx Variant Classification Process June 2021. Collection method: clinical testing. Allele origin: germline. Affected: yes.
Comment: In-frame deletion of 14 amino acids in a non-repeat region; In silico analysis supports a deleterious effect on protein structure/function; Has not been previously published as pathogenic or benign to our knowledge

PreventionGenetics, part of Exact Sciences
Classification: Uncertain significance for KMT2D-related condition. Last evaluated: 2024-03-05. Review status: no assertion criteria provided. Collection method: clinical testing. Allele origin: germline. Not counted in ClinVar's aggregate classification.
Comment: The KMT2D c.11718_11759del42 variant is predicted to result in an in-frame deletion (p.Gln3917_Gln3930del). To our knowledge, this variant has not been reported in the literature. This variant is reported in 0.041% of alleles in individuals of African descent in gnomAD. At this time, the clinical significance of this variant is uncertain due to the absence of conclusive functional and genetic evidence.

NM_003482.4(KMT2D):c.11718_11759del (p.3903QQQLQQQQQLQQQQ[1])

Gene: KMT2D (lysine methyltransferase 2D; minus strand). Cytogenetic location: 12q13.12.
Variant type: Deletion.
Coding change: c.11718_11759del on transcript NM_003482.4 (MANE Select); coding-DNA positions 11718 to 11759, 42 bases deleted.
Protein change: p.3903QQQLQQQQQLQQQQ[1].
Molecular consequence: inframe deletion. On other transcripts: inframe indel (1).
Genome position (GRCh38, 1-based): chr12:49,032,946-49,032,987, 42 bases deleted; deleting any 42 consecutive bases within chr12:49,032,946-49,033,004 gives the same sequence; the c. name uses the placement nearest the transcript's 3' end. GRCh37 (hg19): chr12:49,426,746-49,426,787.
Other names: c.11718_11759del42 (NM_003482.3); c.11701_11742del42, p.Gln3917_Gln3930del (NM_003482.3).
Identifiers: ClinVar variation 2575008 (VCV002575008.5), dbSNP rs754086811, ClinGen allele CA6546296.